The following is an entry in ClinVar:

NM_005850.5(SF3B4):c.840C>A (p.Thr280=)

Gene: SF3B4 (splicing factor 3b subunit 4; minus strand). Cytogenetic location: 1q21.2.
Variant type: single nucleotide variant.
Coding change: c.840C>A on transcript NM_005850.5 (MANE Select); coding-DNA position 840, C replaced by A.
Protein change: p.Thr280=; no amino-acid change (threonine 280 retained).
Molecular consequence: synonymous variant.
Genome position (GRCh38, 1-based): chr1:149,925,909, G>T on the plus strand (C>A on the coding strand, the complement: SF3B4 is on the minus strand). VCF-style: chr1-149925909-G-T. GRCh37 (hg19) VCF-style: chr1-149897801-G-T.
Identifiers: ClinVar variation 4982421 (VCV004982421.1).

ClinVar aggregate classification (germline): Likely benign (1 of 4 stars; one submission).

Conditions:
SF3B4-related disorder. Also called: SF3B4-related condition.

gnomAD v4.1: 7 of 1,592,872 alleles (0.00044%); highest among the groups gnomAD compares: African/African-American, 0.0067%; no homozygotes.

Submission:

PreventionGenetics, part of Exact Sciences
Classification: Likely benign for SF3B4-related condition. Last evaluated: 2024-11-05. Review status: criteria provided, single submitter. Criteria: ACMG Guidelines, 2015. Collection method: clinical testing. Allele origin: germline.
Comment: This variant is classified as likely benign based on ACMG/AMP sequence variant interpretation guidelines (Richards et al. 2015 PMID: 25741868, with internal and published modifications).